The following is an entry in ClinVar:

NM_152641.4(ARID2):c.3421C>T (p.Gln1141Ter)

Gene: ARID2 (AT-rich interaction domain 2; plus strand). Cytogenetic location: 12q12.
Variant type: single nucleotide variant.
Coding change: c.3421C>T on transcript NM_152641.4 (MANE Select); coding-DNA position 3421, C replaced by T.
Protein change: p.Gln1141Ter; replaces glutamine 1141 with a stop codon.
Molecular consequence: nonsense.
Genome position (GRCh38, 1-based): chr12:45,851,544, C>T. VCF-style: chr12-45851544-C-T. GRCh37 (hg19) VCF-style: chr12-46245327-C-T.
Other names: c.3421C>T, p.Gln1141Ter (NM_001347839.2); short protein forms Q1141*.
Identifiers: ClinVar variation 3776191 (VCV003776191.1).

ClinVar aggregate classification (germline): Likely pathogenic (1 of 4 stars; one submission).

Conditions:
Coffin-Siris syndrome 6. Identifiers: MedGen C4540499, MONDO:0033492, OMIM 617808.

Submission:

3billion
Classification: Likely pathogenic for Coffin-Siris syndrome 6. Last evaluated: 2023-12-04. Review status: criteria provided, single submitter. Criteria: ACMG Guidelines, 2015. Collection method: clinical testing. Allele origin: germline. Affected: yes.
Comment: The variant is not observed in the gnomAD v2.1.1 dataset. Predicted Consequence/Location: Stop-gained (nonsense): predicted to result in a loss or disruption of normal protein function through nonsense-mediated decay (NMD) or protein truncation. Multiple pathogenic variants are reported downstream of the variant. Therefore, this variant is classified as Likely pathogenic according to the recommendation of ACMG/AMP guideline.